The following is an entry in ClinVar:

ClinVar aggregate classification (germline): Likely benign (1 of 4 stars; one submission).

gnomAD v4.1: 41 of 1,612,186 alleles (0.0025%); highest among the groups gnomAD compares: Middle Eastern, 0.036%; 1 homozygote.

Submission:

Women's Health and Genetics/Laboratory Corporation of America, LabCorp
Classification: Likely benign. Last evaluated: 2025-01-13. Review status: criteria provided, single submitter. Criteria: LabCorp Variant Classification Summary - May 2015. Collection method: clinical testing. Allele origin: germline.
Comment: Variant summary: VWF c.5023C>T results in a synonymous change. Consensus agreement among computation tools predict no significant impact on normal splicing. However, these predictions have yet to be confirmed by functional studies. The variant allele was found at a frequency of 1.2e-05 in 247022 control chromosomes. The available data on variant occurrences in the general population are insufficient to allow any conclusion about variant significance. To our knowledge, no occurrence of c.5023C>T in individuals affected with Von Willebrand Disease and no experimental evidence demonstrating its impact on protein function have been reported. No submitters have cited clinical-significance assessments for this variant to ClinVar. Based on the evidence outlined above, the variant was classified as likely benign.

NM_000552.5(VWF):c.5023C>T (p.Leu1675=)

Gene: VWF (von Willebrand factor; minus strand). Cytogenetic location: 12p13.31.
Variant type: single nucleotide variant.
Coding change: c.5023C>T on transcript NM_000552.5 (MANE Select); coding-DNA position 5023, C replaced by T.
Protein change: p.Leu1675=; no amino-acid change (leucine 1675 retained).
Molecular consequence: synonymous variant.
Genome position (GRCh38, 1-based): chr12:6,018,395, G>A on the plus strand (C>T on the coding strand, the complement: VWF is on the minus strand). VCF-style: chr12-6018395-G-A. GRCh37 (hg19) VCF-style: chr12-6127561-G-A.
Identifiers: ClinVar variation 3769159 (VCV003769159.2).